The following is an entry in ClinVar:

NM_001276270.2(MBD4):c.488T>C (p.Leu163Pro)

Gene: MBD4 (methyl-CpG binding domain 4, DNA glycosylase; minus strand). Cytogenetic location: 3q21.3.
Variant type: single nucleotide variant.
Coding change: c.488T>C on transcript NM_001276270.2 (MANE Select); coding-DNA position 488, T replaced by C.
Protein change: p.Leu163Pro; replaces leucine 163 with proline.
Molecular consequence: missense variant. On other transcripts: intron variant (1).
Genome position (GRCh38, 1-based): chr3:129,437,156, A>G on the plus strand (T>C on the coding strand, the complement: MBD4 is on the minus strand). VCF-style: chr3-129437156-A-G. GRCh37 (hg19) VCF-style: chr3-129155999-A-G.
Other names: c.488T>C, p.Leu163Pro (NM_001276271.2, NM_001276272.2, NM_003925.3); c.247+652T>C (NM_001276273.2); short protein forms L163P.
Identifiers: ClinVar variation 4624406 (VCV004624406.1).

ClinVar aggregate classification (germline): Uncertain significance (1 of 4 stars; one submission).

Conditions:
Inborn genetic diseases. Identifiers: MedGen C0950123, MeSH D030342.

gnomAD v4.1: 2 of 1,614,064 alleles (0.00012%); highest among the groups gnomAD compares: Non-Finnish European, 0.00017%; no homozygotes.

Submission:

Ambry Genetics
Classification: Uncertain significance for Inborn genetic diseases. Last evaluated: 2025-10-19. Review status: criteria provided, single submitter. Criteria: Ambry Variant Classification Scheme 2023. Collection method: clinical testing. Allele origin: germline.
Comment: The p.L163P variant (also known as c.488T>C), located in coding exon 3 of the MBD4 gene, results from a T to C substitution at nucleotide position 488. The leucine at codon 163 is replaced by proline, an amino acid with similar properties. This amino acid position is conserved. In addition, this alteration is predicted to be tolerated by in silico analysis. Based on the available evidence, the clinical significance of this variant remains unclear.